The following is an entry in ClinVar:

NM_003924.4(PHOX2B):c.218_219delinsCT (p.His73Pro)

Genes: PHOX2B (paired like homeobox 2B; minus strand), PHOX2B-AS1 (PHOX2B antisense RNA 1; plus strand). Cytogenetic location: 4p13.
Variant type: Indel.
Coding change: c.218_219delinsCT on transcript NM_003924.4 (MANE Select); coding-DNA positions 218 to 219, AC replaced by CT.
Protein change: p.His73Pro; replaces histidine 73 with proline.
Molecular consequence: missense variant. On other transcripts: non-coding transcript variant (1).
Genome position (GRCh38, 1-based): chr4:41,748,392-41,748,393, GT replaced by AG on the plus strand (AC replaced by CT on the coding strand, the reverse complement: PHOX2B is on the minus strand). VCF-style: chr4-41748392-GT-AG. GRCh37 (hg19) VCF-style: chr4-41750409-GT-AG.
Other names: c.218_219delACinsCT, p.His73Pro (NM_003924.3); short protein forms H73P.
Identifiers: ClinVar variation 3365858 (VCV003365858.1).

ClinVar aggregate classification (germline): Uncertain significance (1 of 4 stars; one submission).

Submission:

GeneDx
Classification: Uncertain significance. Last evaluated: 2023-12-18. Review status: criteria provided, single submitter. Criteria: GeneDx Variant Classification Process June 2021. Collection method: clinical testing. Allele origin: germline. Affected: yes.
Comment: In-frame deletion of 1 amino acid in a non-repeat region; Not observed at significant frequency in large population cohorts (gnomAD); In silico analysis supports a deleterious effect on protein structure/function; Has not been previously published as pathogenic or benign to our knowledge